The following is an entry in ClinVar:

ClinVar aggregate classification (germline): Uncertain significance (1 of 4 stars; one submission).

Conditions:
Hereditary cancer-predisposing syndrome. Also called: Neoplastic Syndromes, Hereditary; Tumor predisposition; Hereditary neoplastic syndrome; Hereditary Cancer Syndrome. Identifiers: Orphanet 140162, MedGen C0027672, MeSH D009386, MONDO:0015356.

Submission:

Ambry Genetics
Classification: Uncertain significance for Hereditary cancer-predisposing syndrome. Last evaluated: 2023-10-15. Review status: criteria provided, single submitter. Criteria: Ambry Variant Classification Scheme 2023. Collection method: clinical testing. Allele origin: germline.
Comment: The p.S701N variant (also known as c.2102G>A), located in coding exon 19 of the MRE11A gene, results from a G to A substitution at nucleotide position 2102. The serine at codon 701 is replaced by asparagine, an amino acid with highly similar properties. This amino acid position is conserved. In addition, this alteration is predicted to be tolerated by in silico analysis. Since supporting evidence is limited at this time, the clinical significance of this alteration remains unclear.

NM_005591.4(MRE11):c.2102G>A (p.Ser701Asn)

Gene: MRE11 (MRE11 double strand break repair nuclease; minus strand). Cytogenetic location: 11q21.
Variant type: single nucleotide variant.
Coding change: c.2102G>A on transcript NM_005591.4 (MANE Select); coding-DNA position 2102, G replaced by A.
Protein change: p.Ser701Asn; replaces serine 701 with asparagine.
Molecular consequence: missense variant.
Genome position (GRCh38, 1-based): chr11:94,420,150, C>T on the plus strand (G>A on the coding strand, the complement: MRE11 is on the minus strand). VCF-style: chr11-94420150-C-T. GRCh37 (hg19) VCF-style: chr11-94153316-C-T.
Other names: c.2099G>A, p.Ser700Asn (NM_001330347.2); c.2018G>A, p.Ser673Asn (NM_005590.4); short protein forms S673N, S700N, S701N.
Identifiers: ClinVar variation 3224854 (VCV003224854.1), dbSNP rs2496089080, ClinGen allele CA382372552.